The following is an entry in ClinVar:

NM_001084.5(PLOD3):c.788A>G (p.Asn263Ser)

Gene: PLOD3 (procollagen-lysine,2-oxoglutarate 5-dioxygenase 3; minus strand). Cytogenetic location: 7q22.1.
Variant type: single nucleotide variant.
Coding change: c.788A>G on transcript NM_001084.5 (MANE Select); coding-DNA position 788, A replaced by G.
Protein change: p.Asn263Ser; replaces asparagine 263 with serine.
Molecular consequence: missense variant.
Genome position (GRCh38, 1-based): chr7:101,212,933, T>C on the plus strand (A>G on the coding strand, the complement: PLOD3 is on the minus strand). VCF-style: chr7-101212933-T-C. GRCh37 (hg19) VCF-style: chr7-100856214-T-C.
Other names: short protein forms N263S.
Identifiers: ClinVar variation 1371974 (VCV001371974.5), dbSNP rs201390485, ClinGen allele CA4408002.

ClinVar aggregate classification (germline): Uncertain significance (1 of 4 stars; one submission).

Allele frequency attached by ClinVar (database versions not stated): gnomAD 0.00002 and 0.00007; TOPMed 0.00005; gnomAD exomes 0.00010; ExAC 0.00012; 1000 Genomes Project 0.00080; 1000 Genomes Project 30x 0.00094.
gnomAD v4.1: 75 of 1,613,032 alleles (0.0046%); highest among the groups gnomAD compares: South Asian, 0.044%; no homozygotes.

Submission:

Labcorp Genetics (formerly Invitae), Labcorp
Classification: Uncertain significance. Last evaluated: 2021-08-28. Review status: criteria provided, single submitter. Criteria: Invitae Variant Classification Sherloc (09022015). Collection method: clinical testing. Allele origin: germline.
Comment: This sequence change replaces asparagine with serine at codon 263 of the PLOD3 protein (p.Asn263Ser). The asparagine residue is highly conserved and there is a small physicochemical difference between asparagine and serine. This variant is present in population databases (rs201390485, ExAC 0.06%). This variant has not been reported in the literature in individuals affected with PLOD3-related conditions. Algorithms developed to predict the effect of missense changes on protein structure and function (SIFT, PolyPhen-2, Align-GVGD) all suggest that this variant is likely to be disruptive. In summary, the available evidence is currently insufficient to determine the role of this variant in disease. Therefore, it has been classified as a Variant of Uncertain Significance.